The following is an entry in ClinVar:

NM_000901.5(NR3C2):c.2205del (p.Pro736fs)

Gene: NR3C2 (nuclear receptor subfamily 3 group C member 2; minus strand). Cytogenetic location: 4q31.23.
Variant type: Deletion.
Coding change: c.2205del on transcript NM_000901.5 (MANE Select); coding-DNA position 2205, one base deleted (A; older notation c.2205delA).
Protein change: p.Pro736fs; shifts the reading frame from proline 736.
Molecular consequence: frameshift variant. On other transcripts: intron variant (2).
Genome position (GRCh38, 1-based): chr4:148,154,711, T deleted on the plus strand (A on the coding strand, the reverse complement: NR3C2 is on the minus strand). VCF-style (leftmost placement, unchanged base first): chr4-148154710-GT-G. GRCh37 (hg19) VCF-style: chr4-149075861-GT-G.
Other names: c.2015-2098del (NM_001354819.1, NM_001166104.2); short protein forms P736fs.
Identifiers: ClinVar variation 3640878 (VCV003640878.2).
Genomic context (GRCh38, chr4:148,154,710, plus strand): 5'-TGTCATAGCCTGCATATACAATTTCAGGTTCAATGTTTTCAAGGACCATAACGGGGGAAG[GT>G]GTGAGCGCTCGTGAGATTGTGGAGAGCTGAGGAACCAGTGCTGTGTTGACCGAGGGTTCT-3'

ClinVar aggregate classification (germline): Pathogenic (1 of 4 stars; one submission).

Submission:

Labcorp Genetics (formerly Invitae), Labcorp
Classification: Pathogenic. Last evaluated: 2025-10-25. Review status: criteria provided, single submitter. Criteria: Invitae Variant Classification Sherloc (09022015). Collection method: clinical testing. Allele origin: germline.
Comment: This sequence change creates a premature translational stop signal (p.Pro736Leufs*37) in the NR3C2 gene. It is expected to result in an absent or disrupted protein product. Loss-of-function variants in NR3C2 are known to be pathogenic (PMID: 9662404, 16611713, 16972228). This variant is not present in population databases (gnomAD no frequency). This variant has not been reported in the literature in individuals affected with NR3C2-related conditions. ClinVar contains an entry for this variant (Variation ID: 3640878). For these reasons, this variant has been classified as Pathogenic.

Literature cited by the submitters: PubMed 9662404; PubMed 16611713; PubMed 16972228.